The following is an entry in ClinVar:

NM_012448.4(STAT5B):c.1141T>C (p.Ser381Pro)

Gene: STAT5B (signal transducer and activator of transcription 5B; minus strand). Cytogenetic location: 17q21.2.
Variant type: single nucleotide variant.
Coding change: c.1141T>C on transcript NM_012448.4 (MANE Select); coding-DNA position 1141, T replaced by C.
Protein change: p.Ser381Pro; replaces serine 381 with proline.
Molecular consequence: missense variant.
Genome position (GRCh38, 1-based): chr17:42,218,179, A>G on the plus strand (T>C on the coding strand, the complement: STAT5B is on the minus strand). VCF-style: chr17-42218179-A-G. GRCh37 (hg19) VCF-style: chr17-40370197-A-G.
Other names: short protein forms S381P.
Identifiers: ClinVar variation 3664153 (VCV003664153.2).

ClinVar aggregate classification (germline): Uncertain significance (1 of 4 stars; one submission).

Conditions:
Growth hormone insensitivity with immune dysregulation 1, autosomal recessive. Also called: Laron syndrome with immunodeficiency; GROWTH HORMONE INSENSITIVITY DUE TO POSTRECEPTOR DEFECT; LARON SYNDROME DUE TO POSTRECEPTOR DEFECT; GROWTH HORMONE INSENSITIVITY SYNDROME WITH IMMUNE DYSREGULATION 1, AUTOSOMAL RECESSIVE. Identifiers: Orphanet 220465, MedGen C5435698, MONDO:0100211, OMIM 245590.

Submission:

Labcorp Genetics (formerly Invitae), Labcorp
Classification: Uncertain significance for Growth hormone insensitivity with immune dysregulation 1, autosomal recessive. Last evaluated: 2024-09-04. Review status: criteria provided, single submitter. Criteria: Invitae Variant Classification Sherloc (09022015). Collection method: clinical testing. Allele origin: germline.
Comment: This sequence change replaces serine, which is neutral and polar, with proline, which is neutral and non-polar, at codon 381 of the STAT5B protein (p.Ser381Pro). This variant is not present in population databases (gnomAD no frequency). This variant has not been reported in the literature in individuals affected with STAT5B-related conditions. Invitae Evidence Modeling of protein sequence and biophysical properties (such as structural, functional, and spatial information, amino acid conservation, physicochemical variation, residue mobility, and thermodynamic stability) indicates that this missense variant is not expected to disrupt STAT5B protein function with a negative predictive value of 80%. In summary, the available evidence is currently insufficient to determine the role of this variant in disease. Therefore, it has been classified as a Variant of Uncertain Significance.